The following is an entry in ClinVar:

NM_000875.5(IGF1R):c.4012G>C (p.Ala1338Pro)

Gene: IGF1R (insulin like growth factor 1 receptor; plus strand). Cytogenetic location: 15q26.3.
Variant type: single nucleotide variant.
Coding change: c.4012G>C on transcript NM_000875.5 (MANE Select); coding-DNA position 4012, G replaced by C.
Protein change: p.Ala1338Pro; replaces alanine 1338 with proline.
Molecular consequence: missense variant.
Genome position (GRCh38, 1-based): chr15:98,957,350, G>C. VCF-style: chr15-98957350-G-C. GRCh37 (hg19) VCF-style: chr15-99500579-G-C.
Other names: c.4009G>C, p.Ala1337Pro (NM_001291858.2); short protein forms A1337P, A1338P.
Identifiers: ClinVar variation 2994095 (VCV002994095.3), dbSNP rs34102392, ClinGen allele CA393669621.

ClinVar aggregate classification (germline): Uncertain significance (1 of 4 stars; one submission).

gnomAD v4.1: 1 of 1,612,008 alleles (0.000062%); highest among the groups gnomAD compares: Non-Finnish European, 0.000085%; no homozygotes.

Submission:

Labcorp Genetics (formerly Invitae), Labcorp
Classification: Uncertain significance. Last evaluated: 2025-11-17. Review status: criteria provided, single submitter. Criteria: Invitae Variant Classification Sherloc (09022015). Collection method: clinical testing. Allele origin: germline.
Comment: This sequence change replaces alanine, which is neutral and non-polar, with proline, which is neutral and non-polar, at codon 1338 of the IGF1R protein (p.Ala1338Pro). This variant is present in population databases (no rsID available, gnomAD 0.0009%). This variant has not been reported in the literature in individuals affected with IGF1R-related conditions. ClinVar contains an entry for this variant (Variation ID: 2994095). An algorithm developed to predict the effect of missense changes on protein structure and function (PolyPhen-2) suggests that this variant is likely to be tolerated. In summary, the available evidence is currently insufficient to determine the role of this variant in disease. Therefore, it has been classified as a Variant of Uncertain Significance.